The following is an entry in ClinVar:

NM_000051.4(ATM):c.1373G>T (p.Cys458Phe)

Gene: ATM (ATM serine/threonine kinase; plus strand). Cytogenetic location: 11q22.3.
Variant type: single nucleotide variant.
Coding change: c.1373G>T on transcript NM_000051.4 (MANE Select); coding-DNA position 1373, G replaced by T.
Protein change: p.Cys458Phe; replaces cysteine 458 with phenylalanine.
Molecular consequence: missense variant.
Genome position (GRCh38, 1-based): chr11:108,250,838, G>T. VCF-style: chr11-108250838-G-T. GRCh37 (hg19) VCF-style: chr11-108121565-G-T.
Other names: c.1373G>T, p.Cys458Phe (NM_001351834.2); short protein forms C458F.
Identifiers: ClinVar variation 3658418 (VCV003658418.2).

ClinVar aggregate classification (germline): Uncertain significance (1 of 4 stars; one submission).

Conditions:
Ataxia-telangiectasia syndrome (AT). Also called: LOUIS-BAR SYNDROME; Cerebello-oculocutaneous telangiectasia; Immunodeficiency with ataxia telangiectasia; ATAXIA-TELANGIECTASIA, COMPLEMENTATION GROUP A; ATAXIA-TELANGIECTASIA, FRESNO VARIANT; Ataxia-telangiectasia, complementation group D. Identifiers: Orphanet 100, MedGen C0004135, MONDO:0008840, OMIM 208900.

Submission:

Labcorp Genetics (formerly Invitae), Labcorp
Classification: Uncertain significance for Ataxia-telangiectasia syndrome. Last evaluated: 2025-07-17. Review status: criteria provided, single submitter. Criteria: Invitae Variant Classification Sherloc (09022015). Collection method: clinical testing. Allele origin: germline.
Comment: This sequence change replaces cysteine, which is neutral and slightly polar, with phenylalanine, which is neutral and non-polar, at codon 458 of the ATM protein (p.Cys458Phe). This variant is not present in population databases (gnomAD no frequency). This variant has not been reported in the literature in individuals affected with ATM-related conditions. ClinVar contains an entry for this variant (Variation ID: 3658418). Invitae Evidence Modeling of protein sequence and biophysical properties (such as structural, functional, and spatial information, amino acid conservation, physicochemical variation, residue mobility, and thermodynamic stability) has been performed for this missense variant. However, the output from this modeling did not meet the statistical confidence thresholds required to predict the impact of this variant on ATM protein function. In summary, the available evidence is currently insufficient to determine the role of this variant in disease. Therefore, it has been classified as a Variant of Uncertain Significance.